The following is an entry in ClinVar:

NM_004360.5(CDH1):c.1832T>A (p.Val611Asp)

Gene: CDH1 (cadherin 1; plus strand). Cytogenetic location: 16q22.1.
Variant type: single nucleotide variant.
Coding change: c.1832T>A on transcript NM_004360.5 (MANE Select); coding-DNA position 1832, T replaced by A.
Protein change: p.Val611Asp; replaces valine 611 with aspartic acid.
Molecular consequence: missense variant. On other transcripts: 5 prime UTR variant (1).
Genome position (GRCh38, 1-based): chr16:68,822,121, T>A. VCF-style: chr16-68822121-T-A. GRCh37 (hg19) VCF-style: chr16-68856024-T-A.
Other names: c.1832T>A (LRG_301t1); c.1649T>A, p.Val550Asp (NM_001317184.2); c.284T>A, p.Val95Asp (NM_001317185.2); c.-134T>A (NM_001317186.2); short protein forms V611D, V550D, V95D.
Identifiers: ClinVar variation 231651 (VCV000231651.17), dbSNP rs779351070, ClinGen allele CA8130154.

ClinVar aggregate classification (germline): Conflicting classifications of pathogenicity. Review status: criteria provided, conflicting classifications (1 of 4 stars). 4 submissions from 4 submitters: Uncertain significance (3); Likely benign (1). Last evaluated 2026-05-15.

Conditions:
Hereditary diffuse gastric adenocarcinoma (HDGC). Also called: DIFFUSE GASTRIC AND LOBULAR BREAST CANCER SYNDROME. Identifiers: Orphanet 26106, MedGen C1708349, MONDO:0007648, OMIM 137215.
Hereditary cancer-predisposing syndrome. Also called: Neoplastic Syndromes, Hereditary; Hereditary Cancer Syndrome; Tumor predisposition; Hereditary neoplastic syndrome. Identifiers: Orphanet 140162, MedGen C0027672, MeSH D009386, MONDO:0015356.
Familial cancer of breast. Also called: hereditary breast carcinoma; BREAST CANCER, FAMILIAL; Hereditary breast cancer. Identifiers: Orphanet 227535, MedGen C0346153, MONDO:0016419, OMIM 114480. Disease mechanism: loss of function.

Allele frequency attached by ClinVar (database versions not stated): gnomAD exomes below 0.00001; ExAC 0.00001.
gnomAD v4.1: 1 of 1,614,054 alleles (0.000062%); highest among the groups gnomAD compares: Non-Finnish European, 0.000085%; no homozygotes.

Submissions (4):

Ambry Genetics
Classification: Likely benign for Hereditary cancer-predisposing syndrome. Last evaluated: 2026-05-15. Review status: criteria provided, single submitter. Criteria: Ambry Variant Classification Scheme 2023. Collection method: clinical testing. Allele origin: germline.

Labcorp Genetics (formerly Invitae), Labcorp
Classification: Uncertain significance for Hereditary diffuse gastric adenocarcinoma. Last evaluated: 2026-01-31. Review status: criteria provided, single submitter. Criteria: Invitae Variant Classification Sherloc (09022015). Collection method: clinical testing. Allele origin: germline.
Comment: This sequence change replaces valine, which is neutral and non-polar, with aspartic acid, which is acidic and polar, at codon 611 of the CDH1 protein (p.Val611Asp). This variant is present in population databases (rs779351070, gnomAD 0.0009%). This variant has not been reported in the literature in individuals affected with CDH1-related conditions. ClinVar contains an entry for this variant (Variation ID: 231651). An algorithm developed to predict the effect of missense changes on protein structure and function (PolyPhen-2) suggests that this variant is likely to be tolerated. In summary, the available evidence is currently insufficient to determine the role of this variant in disease. Therefore, it has been classified as a Variant of Uncertain Significance.

GeneDx
Classification: Uncertain significance. Last evaluated: 2023-12-01. Review status: criteria provided, single submitter. Criteria: GeneDx Variant Classification Process June 2021. Collection method: clinical testing. Allele origin: germline. Affected: yes.
Comment: Not observed at significant frequency in large population cohorts (gnomAD); In silico analysis supports that this missense variant has a deleterious effect on protein structure/function; Has not been previously published as pathogenic or benign to our knowledge; This variant is associated with the following publications: (PMID: 27978560, 15235021, 22850631)

Baylor Genetics
Classification: Uncertain significance for Familial cancer of breast. Last evaluated: 2023-06-05. Review status: criteria provided, single submitter. Criteria: ACMG Guidelines, 2015. Collection method: clinical testing. Allele origin: unknown.